The following is an entry in ClinVar:

ClinVar aggregate classification (germline): Likely benign (1 of 4 stars; one submission).

Allele frequency attached by ClinVar (database versions not stated): gnomAD 0.00001 and 0.00005; gnomAD exomes 0.00003 and below 0.00001; TOPMed 0.00001.
gnomAD v4.1: 2 of 328,724 alleles (0.00061%); highest among the groups gnomAD compares: East Asian, 0.02%; no homozygotes.

Submission:

GeneDx
Classification: Likely benign. Last evaluated: 2017-01-30. Review status: criteria provided, single submitter. Criteria: GeneDx Variant Classification (06012015). Collection method: clinical testing. Allele origin: germline. Affected: yes.
Comment: This variant is considered likely benign or benign based on one or more of the following criteria: it is a conservative change, it occurs at a poorly conserved position in the protein, it is predicted to be benign by multiple in silico algorithms, and/or has population frequency not consistent with disease.

NM_001159702.3(FHL1):c.-27+17G>T

Gene: FHL1 (four and a half LIM domains 1; plus strand). Cytogenetic location: Xq26.3.
Variant type: single nucleotide variant.
Coding change: c.-27+17G>T on transcript NM_001159702.3 (MANE Plus Clinical); 17 bases into the intron after 27 bases upstream of the start codon, G replaced by T.
Molecular consequence: intron variant.
Genome position (GRCh38, 1-based): chrX:136,169,997, G>T. VCF-style: chrX-136169997-G-T. GRCh37 (hg19) VCF-style: chrX-135252156-G-T.
Other names: c.-27+17G>T (NM_001369326.1, NM_001369329.1, NM_001369327.2 and 7 more transcripts).
Identifiers: ClinVar variation 507047 (VCV000507047.3), dbSNP rs367650287, ClinGen allele CA336092790.